The following is an entry in ClinVar:

ClinVar aggregate classification (germline): Uncertain significance (1 of 4 stars; one submission).

Conditions:
Charcot-Marie-Tooth disease axonal type 2F (CMT2F). Also called: Charcot-Marie-Tooth Neuropathy Type 2F; CHARCOT-MARIE-TOOTH DISEASE, NEURONAL, TYPE 2F. Identifiers: Orphanet 99940, MedGen C1847823, MONDO:0011687, OMIM 606595.

Allele frequency attached by ClinVar (database versions not stated): TOPMed 0.00002.

Submission:

Labcorp Genetics (formerly Invitae), Labcorp
Classification: Uncertain significance for Charcot-Marie-Tooth disease axonal type 2F. Last evaluated: 2024-09-13. Review status: criteria provided, single submitter. Criteria: Invitae Variant Classification Sherloc (09022015). Collection method: clinical testing. Allele origin: germline.
Comment: This sequence change replaces valine, which is neutral and non-polar, with leucine, which is neutral and non-polar, at codon 68 of the HSPB1 protein (p.Val68Leu). This variant is present in population databases (no rsID available, gnomAD 0.002%). This missense change has been observed in individual(s) with HSPB1-related conditions (PMID: 34190362). ClinVar contains an entry for this variant (Variation ID: 410716). An algorithm developed to predict the effect of missense changes on protein structure and function outputs the following: PolyPhen-2: "Benign". The leucine amino acid residue is found in multiple mammalian species, which suggests that this missense change does not adversely affect protein function. In summary, the available evidence is currently insufficient to determine the role of this variant in disease. Therefore, it has been classified as a Variant of Uncertain Significance.

Literature cited by the submitters: PubMed 34190362.

NM_001540.5(HSPB1):c.202G>C (p.Val68Leu)

Gene: HSPB1 (heat shock protein family B (small) member 1; plus strand). Cytogenetic location: 7q11.23.
Variant type: single nucleotide variant.
Coding change: c.202G>C on transcript NM_001540.5 (MANE Select); coding-DNA position 202, G replaced by C.
Protein change: p.Val68Leu; replaces valine 68 with leucine.
Molecular consequence: missense variant.
Genome position (GRCh38, 1-based): chr7:76,302,914, G>C. VCF-style: chr7-76302914-G-C. GRCh37 (hg19) VCF-style: chr7-75932231-G-C.
Other names: c.202G>C (LRG_248t1); short protein forms V68L.
Identifiers: ClinVar variation 410716 (VCV000410716.9), dbSNP rs757158514, ClinGen allele CA16612411.